The following is an entry in ClinVar:

NM_003801.4(GPAA1):c.1243C>A (p.Pro415Thr)

Gene: GPAA1 (glycosylphosphatidylinositol anchor attachment 1; plus strand). Cytogenetic location: 8q24.3.
Variant type: single nucleotide variant.
Coding change: c.1243C>A on transcript NM_003801.4 (MANE Select); coding-DNA position 1243, C replaced by A.
Protein change: p.Pro415Thr; replaces proline 415 with threonine.
Molecular consequence: missense variant.
Genome position (GRCh38, 1-based): chr8:144,085,121, C>A. VCF-style: chr8-144085121-C-A. GRCh37 (hg19) VCF-style: chr8-145140024-C-A.
Other names: short protein forms P415T.
Identifiers: ClinVar variation 2505736 (VCV002505736.1), dbSNP rs2537317873, ClinGen allele CA372502850.

ClinVar aggregate classification (germline): Uncertain significance (1 of 4 stars; one submission).

Submission:

GeneDx
Classification: Uncertain significance. Last evaluated: 2022-12-14. Review status: criteria provided, single submitter. Criteria: GeneDx Variant Classification Process June 2021. Collection method: clinical testing. Allele origin: germline. Affected: yes.
Comment: Not observed at significant frequency in large population cohorts (gnomAD); In silico analysis supports that this missense variant does not alter protein structure/function; Has not been previously published as pathogenic or benign to our knowledge